The following is an entry in ClinVar:

NM_001347995.2(ENTREP1):c.1157C>T (p.Thr386Ile)

Gene: ENTREP1 (endosomal transmembrane epsin interactor 1; plus strand). Cytogenetic location: 9q21.12.
Variant type: single nucleotide variant.
Coding change: c.1157C>T on transcript NM_001347995.2 (MANE Select); coding-DNA position 1157, C replaced by T.
Protein change: p.Thr386Ile; replaces threonine 386 with isoleucine.
Molecular consequence: missense variant. On other transcripts: non-coding transcript variant (1).
Genome position (GRCh38, 1-based): chr9:69,384,020, C>T. VCF-style: chr9-69384020-C-T. GRCh37 (hg19) VCF-style: chr9-71998936-C-T.
Other names: c.698C>T, p.Thr233Ile (NM_001127608.3, NM_004816.5); short protein forms T233I, T386I.
Identifiers: ClinVar variation 508582 (VCV000508582.2), dbSNP rs35386391, ClinGen allele CA5074361.

ClinVar aggregate classification (germline): Benign (1 of 4 stars; one submission).

Allele frequency attached by ClinVar (database versions not stated): gnomAD 0.01004 and 0.01056; TOPMed 0.01045; 1000 Genomes Project 0.01058; gnomAD exomes 0.01076 and 0.01260; 1000 Genomes Project 30x 0.01140; ExAC 0.01167; ESP Exome Variant Server 0.01315.
gnomAD v4.1: 19,966 of 1,604,068 alleles (1.2%); highest among the groups gnomAD compares: South Asian, 2.5%; 158 homozygotes.

Submission:

GeneDx
Classification: Benign. Last evaluated: 2017-11-30. Review status: criteria provided, single submitter. Criteria: GeneDx Variant Classification (06012015). Collection method: clinical testing. Allele origin: germline. Affected: yes.
Comment: This variant is considered likely benign or benign based on one or more of the following criteria: it is a conservative change, it occurs at a poorly conserved position in the protein, it is predicted to be benign by multiple in silico algorithms, and/or has population frequency not consistent with disease.